The following is an entry in ClinVar:

NM_015378.4(VPS13D):c.8444C>A (p.Thr2815Asn)

Gene: VPS13D (vacuolar protein sorting 13 homolog D; plus strand). Cytogenetic location: 1p36.22.
Variant type: single nucleotide variant.
Coding change: c.8444C>A on transcript NM_015378.4 (MANE Select); coding-DNA position 8444, C replaced by A.
Protein change: p.Thr2815Asn; replaces threonine 2815 with asparagine.
Molecular consequence: missense variant.
Genome position (GRCh38, 1-based): chr1:12,335,720, C>A. VCF-style: chr1-12335720-C-A. GRCh37 (hg19) VCF-style: chr1-12395777-C-A.
Other names: p.Thr2815Asn; c.8444C>A, p.Thr2815Asn (NM_018156.4); short protein forms T2815N.
Identifiers: ClinVar variation 3380888 (VCV003380888.1).

ClinVar aggregate classification (germline): Uncertain significance (1 of 4 stars; one submission).

Submission:

Mayo Clinic Laboratories, Mayo Clinic
Classification: Uncertain significance. Last evaluated: 2024-04-02. Review status: criteria provided, single submitter. Criteria: ACMG Guidelines, 2015. Collection method: clinical testing. Allele origin: germline. Observed: 1 variant allele.
Comment: BP4, PM2_moderate